The following is an entry in ClinVar:

ClinVar aggregate classification (germline): Conflicting classifications of pathogenicity. Review status: criteria provided, conflicting classifications (1 of 4 stars). 4 submissions from 4 submitters: Uncertain significance (1); Likely benign (3). Last evaluated 2025-12-15.

Conditions:
Neurofibromatosis, type 2 (SWNV). Also called: SCHWANNOMATOSIS, VESTIBULAR; BILATERAL ACOUSTIC NEUROFIBROMATOSIS; NF2-Related Schwannomatosis. Identifiers: Orphanet 637, MedGen C0027832, MONDO:0007039, OMIM 101000. Disease mechanism: loss of function.

Allele frequency attached by ClinVar (database versions not stated): gnomAD 0.00001; ExAC 0.00002; gnomAD exomes 0.00002; TOPMed 0.00002; ESP Exome Variant Server 0.00015; 1000 Genomes Project 0.00020; 1000 Genomes Project 30x 0.00031.
gnomAD v4.1: 39 of 1,613,516 alleles (0.0024%); highest among the groups gnomAD compares: Middle Eastern, 0.017%; no homozygotes.

Submissions (4):

Labcorp Genetics (formerly Invitae), Labcorp
Classification: Likely benign for Neurofibromatosis, type 2. Last evaluated: 2025-12-15. Review status: criteria provided, single submitter. Criteria: Invitae Variant Classification Sherloc (09022015). Collection method: clinical testing. Allele origin: germline.

All of Us Research Program, National Institutes of Health
Classification: Likely benign for Neurofibromatosis, type 2. Last evaluated: 2023-11-02. Review status: criteria provided, single submitter. Criteria: ACMG Guidelines, 2015. Collection method: clinical testing. Allele origin: germline. Inheritance: Autosomal dominant inheritance. Observed: 4 variant alleles, 4 heterozygotes.
Comment: This study involves interpretation of variants in research participants for the purpose of population health screening. Participant phenotype was not available at the time of variant classification. Additional details can be found in publication PMID: 35346344, PMCID: PMC8962531

Color Diagnostics, LLC DBA Color Health
Classification: Likely benign for Neurofibromatosis, type 2. Last evaluated: 2022-03-04. Review status: criteria provided, single submitter. Criteria: ACMG Guidelines, 2015. Collection method: clinical testing. Allele origin: germline.

Illumina Laboratory Services, Illumina
Classification: Uncertain significance for Neurofibromatosis, type 2. Last evaluated: 2018-01-12. Review status: criteria provided, single submitter. Criteria: ICSL Variant Classification Criteria 13 December 2019. Collection method: clinical testing. Allele origin: germline.

NM_000268.4(NF2):c.600-13G>A

Gene: NF2 (NF2, moesin-ezrin-radixin like (MERLIN) tumor suppressor; plus strand). Cytogenetic location: 22q12.2.
Variant type: single nucleotide variant.
Coding change: c.600-13G>A on transcript NM_000268.4 (MANE Select); 13 bases into the intron before coding-DNA position 600, G replaced by A.
Molecular consequence: intron variant.
Genome position (GRCh38, 1-based): chr22:29,658,176, G>A. VCF-style: chr22-29658176-G-A. GRCh37 (hg19) VCF-style: chr22-30054165-G-A.
Other names: c.600-13G>A (NM_016418.5, NM_181832.3, NM_181825.3); c.447+15891G>A (NM_181833.3); c.477-13G>A (NM_181829.3); c.474-13G>A (NM_181828.3); c.351-13G>A (NM_181830.3, NM_181831.3).
Identifiers: ClinVar variation 341068 (VCV000341068.15), dbSNP rs374509697, ClinGen allele CA034300.